The following is an entry in ClinVar:

NM_177438.3(DICER1):c.2466T>A (p.Ser822=)

Gene: DICER1 (dicer 1, ribonuclease III; minus strand). Cytogenetic location: 14q32.13.
Variant type: single nucleotide variant.
Coding change: c.2466T>A on transcript NM_177438.3 (MANE Select); coding-DNA position 2466, T replaced by A.
Protein change: p.Ser822=; no amino-acid change (serine 822 retained).
Molecular consequence: synonymous variant. On other transcripts: non-coding transcript variant (6).
Genome position (GRCh38, 1-based): chr14:95,108,064, A>T on the plus strand (T>A on the coding strand, the complement: DICER1 is on the minus strand). VCF-style: chr14-95108064-A-T. GRCh37 (hg19) VCF-style: chr14-95574401-A-T.
Other names: c.2466T>A, p.Ser822= (NM_001195573.1, NM_001271282.3, NM_001291628.2 and 13 more transcripts); c.2184T>A, p.Ser728= (NM_001395686.1); c.2061T>A, p.Ser687= (NM_001395687.1, NM_001395688.1, NM_001395689.1 and 2 more transcripts); c.1899T>A, p.Ser633= (NM_001395691.1); c.783T>A, p.Ser261= (NM_001395697.1).
Identifiers: ClinVar variation 1791694 (VCV001791694.4), dbSNP rs2542843531, ClinGen allele CA487844914.

ClinVar aggregate classification (germline): Uncertain significance (1 of 4 stars; one submission).

Conditions:
Hereditary cancer-predisposing syndrome. Also called: Hereditary Cancer Syndrome; Hereditary neoplastic syndrome; Tumor predisposition; Neoplastic Syndromes, Hereditary. Identifiers: Orphanet 140162, MedGen C0027672, MeSH D009386, MONDO:0015356.

Submission:

Ambry Genetics
Classification: Uncertain significance for Hereditary cancer-predisposing syndrome. Last evaluated: 2023-07-24. Review status: criteria provided, single submitter. Criteria: Ambry Variant Classification Scheme 2023. Collection method: clinical testing. Allele origin: germline.
Comment: The c.2466T>A variant (also known as p.S822S), located in coding exon 15 of the DICER1 gene, results from a T to A substitution at nucleotide position 2466. This nucleotide substitution does not change the serine at codon 822. This nucleotide position is not well conserved in available vertebrate species. In silico splice site analysis predicts that this alteration will result in the creation or strengthening of a novel splice acceptor site. Since supporting evidence is limited at this time, the clinical significance of this alteration remains unclear.